The following is an entry in ClinVar:

ClinVar aggregate classification (germline): Uncertain significance. Review status: criteria provided, single submitter (1 of 4 stars). 2 submissions from 2 submitters: Uncertain significance (1). 1 of the submissions does not count toward it. Last evaluated 2023-05-01.

Conditions:
Intellectual developmental disorder, autosomal dominant 43. Also called: Intellectual disability, autosomal dominant 43. Identifiers: MedGen C4707429, MONDO:0014858, OMIM 616977.

Allele frequency attached by ClinVar (database versions not stated): TOPMed below 0.00001; gnomAD 0.00001.
gnomAD v4.1: 5 of 1,613,998 alleles (0.00031%); no homozygotes.

Submissions (2):

Labcorp Genetics (formerly Invitae), Labcorp
Classification: Uncertain significance. Last evaluated: 2023-05-01. Review status: criteria provided, single submitter. Criteria: Invitae Variant Classification Sherloc (09022015). Collection method: clinical testing. Allele origin: germline.
Comment: This variant has not been reported in the literature in individuals affected with HIVEP2-related conditions. This variant is present in population databases (no rsID available, gnomAD 0.009%). This sequence change replaces arginine, which is basic and polar, with glutamine, which is neutral and polar, at codon 1047 of the HIVEP2 protein (p.Arg1047Gln). Advanced modeling of protein sequence and biophysical properties (such as structural, functional, and spatial information, amino acid conservation, physicochemical variation, residue mobility, and thermodynamic stability) performed at Invitae indicates that this missense variant is expected to disrupt HIVEP2 protein function. In summary, the available evidence is currently insufficient to determine the role of this variant in disease. Therefore, it has been classified as a Variant of Uncertain Significance.

Clinical Genetics Laboratory, University Hospital Schleswig-Holstein
Classification: Uncertain significance for Intellectual developmental disorder, autosomal dominant 43. Last evaluated: 2023-10-11. Review status: no assertion criteria provided. Collection method: clinical testing. Allele origin: germline. Affected: yes. Not counted in ClinVar's aggregate classification.

NM_006734.4(HIVEP2):c.3140G>A (p.Arg1047Gln)

Gene: HIVEP2 (HIVEP zinc finger 2; minus strand). Cytogenetic location: 6q24.2.
Variant type: single nucleotide variant.
Coding change: c.3140G>A on transcript NM_006734.4 (MANE Select); coding-DNA position 3140, G replaced by A.
Protein change: p.Arg1047Gln; replaces arginine 1047 with glutamine.
Molecular consequence: missense variant.
Genome position (GRCh38, 1-based): chr6:142,771,599, C>T on the plus strand (G>A on the coding strand, the complement: HIVEP2 is on the minus strand). VCF-style: chr6-142771599-C-T. GRCh37 (hg19) VCF-style: chr6-143092736-C-T.
Other names: short protein forms R1047Q.
Identifiers: ClinVar variation 2776083 (VCV002776083.4), dbSNP rs1294245135, ClinGen allele CA365905257.